The following is an entry in ClinVar:

NM_000400.4(ERCC2):c.820A>T (p.Lys274Ter)

Gene: ERCC2 (ERCC excision repair 2, TFIIH core complex helicase subunit; minus strand). Cytogenetic location: 19q13.32.
Variant type: single nucleotide variant.
Coding change: c.820A>T on transcript NM_000400.4 (MANE Select); coding-DNA position 820, A replaced by T.
Protein change: p.Lys274Ter; replaces lysine 274 with a stop codon.
Molecular consequence: nonsense.
Genome position (GRCh38, 1-based): chr19:45,364,115, T>A on the plus strand (A>T on the coding strand, the complement: ERCC2 is on the minus strand). VCF-style: chr19-45364115-T-A. GRCh37 (hg19) VCF-style: chr19-45867373-T-A.
Other names: c.748A>T, p.Lys250Ter (NM_001130867.2); short protein forms K250*, K274*.
Identifiers: ClinVar variation 1013171 (VCV001013171.39), dbSNP rs779850024, ClinGen allele CA406373867.

ClinVar aggregate classification (germline): Pathogenic. Review status: criteria provided, multiple submitters, no conflicts (2 of 4 stars). 2 submissions from 2 submitters: Pathogenic (2). Last evaluated 2025-11-01.

Conditions:
ERCC2-related disorder. Also called: ERCC2-related disorders; ERCC2-related conditions; ERCC2-related condition. Identifiers: MedGen CN239291.

Allele frequency attached by ClinVar (database versions not stated): gnomAD 0.00001.
gnomAD v4.1: 2 of 1,611,200 alleles (0.00012%); highest among the groups gnomAD compares: Non-Finnish European, 0.00017%; no homozygotes.

Submissions (2):

CeGaT Center for Human Genetics Tuebingen
Classification: Pathogenic. Last evaluated: 2025-11-01. Review status: criteria provided, single submitter. Criteria: CeGaT Center For Human Genetics Tuebingen Variant Classification Criteria Version 2. Collection method: clinical testing. Allele origin: germline. Affected: yes. Observed: 2 variant alleles.
Comment: ERCC2: PVS1, PM2

Myriad Genetics, Inc.
Classification: Pathogenic for ERCC2-related disorder. Last evaluated: 2024-12-13. Review status: criteria provided, single submitter. Criteria: Myriad Autosomal Dominant, Autosomal Recessive and X-Linked Classification Criteria (2023). Collection method: clinical testing. Allele origin: unknown.
Comment: NM_000400.3(ERCC2):c.820A>T(K274*) is expected to be pathogenic in the context of ERCC2-related disorders. This variant is predicted to lead to an abnormal or absent protein product due to the creation of a premature termination codon in ERCC2, a gene where loss-of-function variants are known to be pathogenic. Please note: this variant was assessed in the context of healthy population screening.